The following is an entry in ClinVar:

NM_206943.4(LTBP1):c.4455A>G (p.Thr1485=)

Gene: LTBP1 (latent transforming growth factor beta binding protein 1; plus strand). Cytogenetic location: 2p22.3.
Variant type: single nucleotide variant.
Coding change: c.4455A>G on transcript NM_206943.4 (MANE Select); coding-DNA position 4455, A replaced by G.
Protein change: p.Thr1485=; no amino-acid change (threonine 1485 retained).
Molecular consequence: synonymous variant.
Genome position (GRCh38, 1-based): chr2:33,364,271, A>G. VCF-style: chr2-33364271-A-G. GRCh37 (hg19) VCF-style: chr2-33589338-A-G.
Other names: c.3477A>G, p.Thr1159= (NM_000627.4); c.3351A>G, p.Thr1117= (NM_001166264.2, NM_001394909.1); c.3318A>G, p.Thr1106= (NM_001166265.2); c.3192A>G, p.Thr1064= (NM_001166266.2, NM_001394920.1); c.4296A>G, p.Thr1432= (NM_001394905.1); c.3474A>G, p.Thr1158= (NM_001394906.1); c.3390A>G, p.Thr1130= (NM_001394907.1); c.3357A>G, p.Thr1119= (NM_001394908.1); and 13 more.
Identifiers: ClinVar variation 1879465 (VCV001879465.29), dbSNP rs887635286, ClinGen allele CA44848949.

ClinVar aggregate classification (germline): Likely benign (1 of 4 stars; one submission).

Allele frequency attached by ClinVar (database versions not stated): TOPMed below 0.00001; gnomAD 0.00001; gnomAD exomes 0.00001.
gnomAD v4.1: 17 of 1,613,984 alleles (0.0011%); highest among the groups gnomAD compares: South Asian, 0.0066%; no homozygotes.

Submission:

CeGaT Center for Human Genetics Tuebingen
Classification: Likely benign. Last evaluated: 2022-10-01. Review status: criteria provided, single submitter. Criteria: CeGaT Center For Human Genetics Tuebingen Variant Classification Criteria Version 2. Collection method: clinical testing. Allele origin: germline. Affected: yes. Observed: 1 variant allele.
Comment: LTBP1: BP4, BP7